The following is an entry in ClinVar:

ClinVar aggregate classification (germline): Conflicting classifications of pathogenicity. Review status: criteria provided, conflicting classifications (1 of 4 stars). 4 submissions from 4 submitters: Pathogenic (1); Likely pathogenic (1); Uncertain significance (1). 1 of the submissions does not count toward it. Last evaluated 2026-02-16.

Conditions:
von Willebrand disorder (VWD). Also called: von Willebrand Diseases; von Willebrand's disease; Von Willebrand disease (hereditary or acquired). Identifiers: MedGen C0042974, MeSH D014842, MONDO:0024574.
von Willebrand disease type 1 (VWD1). Also called: VON WILLEBRAND DISEASE, TYPE I; VWD, TYPE 1. Identifiers: Orphanet 166078, Orphanet 903, MedGen C1264039, MONDO:0008668, OMIM 193400. Inheritance: autosomal recessive or autosomal dominant.

Allele frequency attached by ClinVar (database versions not stated): gnomAD exomes below 0.00001.
gnomAD v4.1: 2 of 1,614,138 alleles (0.00012%); highest among the groups gnomAD compares: Non-Finnish European, 0.000085%; no homozygotes.

Submissions (4):

GeneDx
Classification: Uncertain significance. Last evaluated: 2026-02-16. Review status: criteria provided, single submitter. Criteria: GeneDx Variant Classification Process June 2021. Collection method: clinical testing. Allele origin: germline.
Comment: Identified in a patient with Von Willebrand disease type 1 (PMID: 16985174); Not observed at significant frequency in large population cohorts (gnomAD); In silico analysis supports that this missense variant does not alter protein structure/function; This variant is associated with the following publications: (PMID: 35747851, 34758185, 38679335, 18230755, 18485763, 16985174)

Women's Health and Genetics/Laboratory Corporation of America, LabCorp
Classification: Likely pathogenic for von Willebrand disorder. Last evaluated: 2025-09-15. Review status: criteria provided, single submitter. Criteria: LabCorp Variant Classification Summary - May 2015. Collection method: clinical testing. Allele origin: germline.
Comment: Variant summary: VWF c.5380A>G (p.Lys1794Glu) results in a conservative amino acid change in the encoded protein sequence. Algorithms developed to predict the effect of missense changes on protein structure and function are either unavailable or do not agree on the potential impact of this missense change. The variant was absent in 251488 control chromosomes. c.5380A>G has been observed in heterozygous individual(s) affected with Von Willebrand Disease (e.g. Goodeve_2007, Maas_2022, Castaman_2008, Kreft_2024, Gupta_2008, Atiq_2022). These data indicate that the variant is likely to be associated with disease. To our knowledge, no experimental evidence demonstrating an impact on protein function has been reported. The following publications have been ascertained in the context of this evaluation (PMID: 35747851, 18230755, 16985174, 18485763, 38679335, 34758185). ClinVar contains an entry for this variant (Variation ID: 100427). Based on the evidence outlined above, the variant was classified as likely pathogenic.

Laboratory of Hematology, Radboud University Medical Center
Classification: Pathogenic for von Willebrand disease type 1. Last evaluated: 2020-12-10. Review status: criteria provided, single submitter. Criteria: ACMG Guidelines, 2015. Collection method: research. Allele origin: germline. Affected: yes. Observed: 3 variant alleles. Study: WIN study.

Academic Unit of Haematology, University of Sheffield
No classification provided. Review status: no classification provided. Collection method: not provided. Allele origin: not provided. Not counted in ClinVar's aggregate classification.

Literature cited by the submitters: PubMed 16985174 (cited by Women's Health and Genetics/Laboratory Corporation of America, LabCorp); PubMed 18230755 (cited by Women's Health and Genetics/Laboratory Corporation of America, LabCorp); PubMed 34758185 (cited by Women's Health and Genetics/Laboratory Corporation of America, LabCorp); PubMed 35747851 (cited by Women's Health and Genetics/Laboratory Corporation of America, LabCorp); PubMed 18485763 (cited by Women's Health and Genetics/Laboratory Corporation of America, LabCorp); PubMed 38679335 (cited by Women's Health and Genetics/Laboratory Corporation of America, LabCorp).

NM_000552.5(VWF):c.5380A>G (p.Lys1794Glu)

Gene: VWF (von Willebrand factor; minus strand). Cytogenetic location: 12p13.31.
Variant type: single nucleotide variant.
Coding change: c.5380A>G on transcript NM_000552.5 (MANE Select); coding-DNA position 5380, A replaced by G.
Protein change: p.Lys1794Glu; replaces lysine 1794 with glutamic acid.
Molecular consequence: missense variant.
Genome position (GRCh38, 1-based): chr12:6,016,164, T>C on the plus strand (A>G on the coding strand, the complement: VWF is on the minus strand). VCF-style: chr12-6016164-T-C. GRCh37 (hg19) VCF-style: chr12-6125330-T-C.
Other names: p.K1794E; short protein forms K1794E.
Identifiers: ClinVar variation 100427 (VCV000100427.4), dbSNP rs267607355, ClinGen allele CA228719.